The following is an entry in ClinVar:

NM_000186.3(CFH):c.-195T>C

Gene: CFH (complement factor H; plus strand). Cytogenetic location: 1q31.3.
Variant type: single nucleotide variant.
Coding change: c.-195T>C on transcript NM_000186.3; 195 bases upstream of the start codon, T replaced by C.
Genome position (GRCh38, 1-based): chr1:196,651,923, T>C. VCF-style: chr1-196651923-T-C. GRCh37 (hg19) VCF-style: chr1-196621053-T-C.
Identifiers: ClinVar variation 294473 (VCV000294473.11), dbSNP rs35836460, ClinGen allele CA10608650.

ClinVar aggregate classification (germline): Benign. Review status: criteria provided, multiple submitters, no conflicts (2 of 4 stars). 10 submissions from 4 submitters: Benign (10). Last evaluated 2023-04-11.

Conditions:
Factor H deficiency (CFHD). Also called: COMPLEMENT FACTOR H DEFICIENCY; CFH DEFICIENCY. Identifiers: Orphanet 200421, MedGen C0398777, MONDO:0012350, OMIM 609814.
Basal laminar drusen. Also called: DRUSEN OF BRUCH MEMBRANE; DRUSEN, CUTICULAR; DRUSEN, EARLY ADULT-ONSET, GROUPED. Identifiers: Orphanet 75376, MedGen C0730295, MONDO:0007472, OMIM 126700.
CFH-Related Dense Deposit Disease / Membranoproliferative Glomerulonephritis Type II. Identifiers: MedGen CN071292.
Age related macular degeneration 4. Identifiers: MedGen C1853147, MONDO:0012540, OMIM 610698.
Hemolytic uremic syndrome, atypical, susceptibility to, 1. Also called: AHUS, SUSCEPTIBILITY TO, 1. Identifiers: Orphanet 2134, Orphanet 90038, MedGen C2749604, MONDO:0009335, OMIM 235400. Disease mechanism: Other.

Allele frequency attached by ClinVar (database versions not stated): gnomAD 0.04685 and 0.04651; gnomAD exomes 0.01769; TOPMed 0.05052; 1000 Genomes Project 0.07408; 1000 Genomes Project 30x 0.07495.

Submissions (10):

Genome-Nilou Lab
Classification: Benign for Hemolytic uremic syndrome, atypical, susceptibility to, 1. Last evaluated: 2023-04-11. Review status: criteria provided, single submitter. Criteria: ACMG Guidelines, 2015. Collection method: clinical testing. Allele origin: germline. Affected: no.

Genome-Nilou Lab
Classification: Benign for Age related macular degeneration 4. Last evaluated: 2023-04-11. Review status: criteria provided, single submitter. Criteria: ACMG Guidelines, 2015. Collection method: clinical testing. Allele origin: germline. Affected: no.

Genome-Nilou Lab
Classification: Benign for Basal laminar drusen. Last evaluated: 2023-04-11. Review status: criteria provided, single submitter. Criteria: ACMG Guidelines, 2015. Collection method: clinical testing. Allele origin: germline. Affected: no.

Genome-Nilou Lab
Classification: Benign for Factor H deficiency. Last evaluated: 2023-04-11. Review status: criteria provided, single submitter. Criteria: ACMG Guidelines, 2015. Collection method: clinical testing. Allele origin: germline. Affected: no.

GeneDx
Classification: Benign. Last evaluated: 2021-05-11. Review status: criteria provided, single submitter. Criteria: GeneDx Variant Classification Process June 2021. Collection method: clinical testing. Allele origin: germline. Affected: yes.

Illumina Laboratory Services, Illumina
Classification: Benign for Basal laminar drusen. Last evaluated: 2018-01-12. Review status: criteria provided, single submitter. Criteria: ICSL Variant Classification Criteria 13 December 2019. Collection method: clinical testing. Allele origin: germline.
Comment: This variant was observed in the ICSL laboratory as part of a predisposition screen in an ostensibly healthy population. It had not been previously curated by ICSL or reported in the Human Gene Mutation Database (HGMD: prior to June 1st, 2018), and was therefore a candidate for classification through an automated scoring system. Utilizing variant allele frequency, disease prevalence and penetrance estimates, and inheritance mode, an automated score was calculated to assess if this variant is too frequent to cause the disease. Based on the score and internal cut-off values, a variant classified as benign is not then subjected to further curation. The score for this variant resulted in a classification of benign for this disease.

Illumina Laboratory Services, Illumina
Classification: Benign for Hemolytic uremic syndrome, atypical, susceptibility to, 1. Last evaluated: 2018-01-12. Review status: criteria provided, single submitter. Criteria: ICSL Variant Classification Criteria 13 December 2019. Collection method: clinical testing. Allele origin: germline.
Comment: the same text as in the submission from Illumina Laboratory Services, Illumina above.

Illumina Laboratory Services, Illumina
Classification: Benign for Age related macular degeneration 4. Last evaluated: 2018-01-12. Review status: criteria provided, single submitter. Criteria: ICSL Variant Classification Criteria 13 December 2019. Collection method: clinical testing. Allele origin: germline.
Comment: the same text as in the submission from Illumina Laboratory Services, Illumina above.

Illumina Laboratory Services, Illumina
Classification: Benign for Membranoproliferative glomerulonephritis with complement factor h deficiency. Last evaluated: 2018-01-12. Review status: criteria provided, single submitter. Criteria: ICSL Variant Classification Criteria 13 December 2019. Collection method: clinical testing. Allele origin: germline.
Comment: the same text as in the submission from Illumina Laboratory Services, Illumina above.

Breakthrough Genomics
Classification: Benign. Review status: criteria provided, single submitter. Criteria: ACMG Guidelines, 2015. Collection method: not provided. Allele origin: germline. Inheritance: Autosomal recessive inheritance. Affected: yes.